The following is an entry in ClinVar:

ClinVar aggregate classification (germline): Uncertain significance. Review status: criteria provided, multiple submitters, no conflicts (2 of 4 stars). 4 submissions from 4 submitters: Uncertain significance (4). Last evaluated 2024-11-19.

Conditions:
Myopathy, centronuclear, 5 (CNM5). Identifiers: Orphanet 169186, MedGen C4014814, MONDO:0014418, OMIM 615959.
Inborn genetic diseases. Identifiers: MedGen C0950123, MeSH D030342.

Allele frequency attached by ClinVar (database versions not stated): ExAC 0.00003; gnomAD 0.00003; gnomAD exomes 0.00003; TOPMed 0.00003.
gnomAD v4.1: 43 of 1,613,432 alleles (0.0027%); highest among the groups gnomAD compares: Middle Eastern, 0.42%; no homozygotes.

Submissions (4):

Revvity Omics, Revvity
Classification: Uncertain significance for Myopathy, centronuclear, 5. Last evaluated: 2024-11-19. Review status: criteria provided, single submitter. Criteria: ACMG Guidelines, 2015. Collection method: clinical testing. Allele origin: germline.

Ambry Genetics
Classification: Uncertain significance for Inborn genetic diseases. Last evaluated: 2024-08-20. Review status: criteria provided, single submitter. Criteria: Ambry Variant Classification Scheme 2023. Collection method: clinical testing. Allele origin: germline.

Labcorp Genetics (formerly Invitae), Labcorp
Classification: Uncertain significance. Last evaluated: 2022-10-13. Review status: criteria provided, single submitter. Criteria: Invitae Variant Classification Sherloc (09022015). Collection method: clinical testing. Allele origin: germline.
Comment: This sequence change replaces arginine, which is basic and polar, with tryptophan, which is neutral and slightly polar, at codon 1059 of the SPEG protein (p.Arg1059Trp). This variant is present in population databases (rs753187910, gnomAD 0.02%). This variant has not been reported in the literature in individuals affected with SPEG-related conditions. ClinVar contains an entry for this variant (Variation ID: 1371847). Algorithms developed to predict the effect of missense changes on protein structure and function are either unavailable or do not agree on the potential impact of this missense change (SIFT: "Deleterious"; PolyPhen-2: "Benign"; Align-GVGD: "Class C0"). In summary, the available evidence is currently insufficient to determine the role of this variant in disease. Therefore, it has been classified as a Variant of Uncertain Significance.

Breakthrough Genomics
Classification: Uncertain significance. Review status: criteria provided, single submitter. Criteria: ACMG Guidelines, 2015. Collection method: not provided. Allele origin: germline. Inheritance: Autosomal recessive inheritance. Affected: yes.

NM_005876.5(SPEG):c.3175C>T (p.Arg1059Trp)

Gene: SPEG (striated muscle enriched protein kinase; plus strand). Cytogenetic location: 2q35.
Variant type: single nucleotide variant.
Coding change: c.3175C>T on transcript NM_005876.5 (MANE Select); coding-DNA position 3175, C replaced by T.
Protein change: p.Arg1059Trp; replaces arginine 1059 with tryptophan.
Molecular consequence: missense variant.
Genome position (GRCh38, 1-based): chr2:219,468,610, C>T. VCF-style: chr2-219468610-C-T. GRCh37 (hg19) VCF-style: chr2-220333332-C-T.
Other names: c.3175C>T (NM_005876.4); short protein forms R1059W.
Identifiers: ClinVar variation 1371847 (VCV001371847.8), dbSNP rs753187910, ClinGen allele CA2126090.